The following is an entry in ClinVar:

NM_001099922.3(ALG13):c.835-264T>G

Gene: ALG13 (ALG13 UDP-N-acetylglucosaminyltransferase subunit; plus strand). Cytogenetic location: Xq23.
Variant type: single nucleotide variant.
Coding change: c.835-264T>G on transcript NM_001099922.3 (MANE Select); 264 bases into the intron before coding-DNA position 835, T replaced by G.
Molecular consequence: intron variant.
Genome position (GRCh38, 1-based): chrX:111,711,411, T>G. VCF-style: chrX-111711411-T-G. GRCh37 (hg19) VCF-style: chrX-110954639-T-G.
Other names: c.523-264T>G (NM_001257237.2, NM_001324293.1, NM_001257234.2 and 1 more transcripts); c.601-264T>G (NM_001257231.2); c.835-264T>G (NM_001324292.2).
Identifiers: ClinVar variation 672691 (VCV000672691.2), dbSNP rs16986609, ClinGen allele CA334443409.

ClinVar aggregate classification (germline): Likely benign. Review status: criteria provided, multiple submitters, no conflicts (2 of 4 stars). 2 submissions from 2 submitters: Likely benign (2). Last evaluated 2018-06-14.

Allele frequency attached by ClinVar (database versions not stated): gnomAD 0.01152 and 0.01226; TOPMed 0.01351; 1000 Genomes Project 0.00980; 1000 Genomes Project 30x 0.01124.
gnomAD v4.1: 1,287 of 112,449 alleles (1.1%); highest among the groups gnomAD compares: African/African-American, 3.1%; 10 homozygotes.

Submissions (2):

GeneDx
Classification: Likely benign. Last evaluated: 2018-06-14. Review status: criteria provided, single submitter. Criteria: GeneDx Variant Classification (06012015). Collection method: clinical testing. Allele origin: germline. Affected: yes.
Comment: This variant is considered likely benign or benign based on one or more of the following criteria: it is a conservative change, it occurs at a poorly conserved position in the protein, it is predicted to be benign by multiple in silico algorithms, and/or has population frequency not consistent with disease.

Breakthrough Genomics
Classification: Likely benign. Review status: criteria provided, single submitter. Criteria: ACMG Guidelines, 2015. Collection method: not provided. Allele origin: germline. Inheritance: X-linked inheritance. Affected: yes.